The following is an entry in ClinVar:

NM_032833.5(PPP1R15B):c.1918A>G (p.Lys640Glu)

Gene: PPP1R15B (protein phosphatase 1 regulatory subunit 15B; minus strand). Cytogenetic location: 1q32.1.
Variant type: single nucleotide variant.
Coding change: c.1918A>G on transcript NM_032833.5 (MANE Select); coding-DNA position 1918, A replaced by G.
Protein change: p.Lys640Glu; replaces lysine 640 with glutamic acid.
Molecular consequence: missense variant.
Genome position (GRCh38, 1-based): chr1:204,409,494, T>C on the plus strand (A>G on the coding strand, the complement: PPP1R15B is on the minus strand). VCF-style: chr1-204409494-T-C. GRCh37 (hg19) VCF-style: chr1-204378622-T-C.
Other names: short protein forms K640E.
Identifiers: ClinVar variation 3423892 (VCV003423892.2).

ClinVar aggregate classification (germline): Uncertain significance. Review status: criteria provided, multiple submitters, no conflicts (2 of 4 stars). 2 submissions from 2 submitters: Uncertain significance (2). Last evaluated 2025-05-22.

Conditions:
Inborn genetic diseases. Identifiers: MedGen C0950123, MeSH D030342.

gnomAD v4.1: 41 of 1,603,984 alleles (0.0026%); highest among the groups gnomAD compares: Non-Finnish European, 0.0034%; no homozygotes.

Submissions (2):

Labcorp Genetics (formerly Invitae), Labcorp
Classification: Uncertain significance. Last evaluated: 2025-05-22. Review status: criteria provided, single submitter. Criteria: Invitae Variant Classification Sherloc (09022015). Collection method: clinical testing. Allele origin: germline.
Comment: This sequence change replaces lysine, which is basic and polar, with glutamic acid, which is acidic and polar, at codon 640 of the PPP1R15B protein (p.Lys640Glu). This variant is present in population databases (rs376019910, gnomAD 0.004%). This variant has not been reported in the literature in individuals affected with PPP1R15B-related conditions. ClinVar contains an entry for this variant (Variation ID: 3423892). An algorithm developed to predict the effect of missense changes on protein structure and function (PolyPhen-2) suggests that this variant is likely to be disruptive. In summary, the available evidence is currently insufficient to determine the role of this variant in disease. Therefore, it has been classified as a Variant of Uncertain Significance.

Ambry Genetics
Classification: Uncertain significance for Inborn genetic diseases. Last evaluated: 2024-11-10. Review status: criteria provided, single submitter. Criteria: Ambry Variant Classification Scheme 2023. Collection method: clinical testing. Allele origin: germline.